The following is an entry in ClinVar:

ClinVar aggregate classification (germline): Uncertain significance (1 of 4 stars; one submission).

Allele frequency attached by ClinVar (database versions not stated): gnomAD exomes below 0.00001; gnomAD 0.00001; TOPMed 0.00001.
gnomAD v4.1: 2 of 1,592,686 alleles (0.00013%); highest among the groups gnomAD compares: Admixed American, 0.0035%; no homozygotes.

Submission:

Labcorp Genetics (formerly Invitae), Labcorp
Classification: Uncertain significance. Last evaluated: 2022-12-29. Review status: criteria provided, single submitter. Criteria: Invitae Variant Classification Sherloc (09022015). Collection method: clinical testing. Allele origin: germline.
Comment: This variant is present in population databases (no rsID available, gnomAD 0.003%). In summary, the available evidence is currently insufficient to determine the role of this variant in disease. Therefore, it has been classified as a Variant of Uncertain Significance. Algorithms developed to predict the effect of missense changes on protein structure and function are either unavailable or do not agree on the potential impact of this missense change (SIFT: "Deleterious"; PolyPhen-2: "Probably Damaging"; Align-GVGD: "Class C0"). This variant has not been reported in the literature in individuals affected with DMXL2-related conditions. This sequence change replaces histidine, which is basic and polar, with arginine, which is basic and polar, at codon 2165 of the DMXL2 protein (p.His2165Arg).

NM_001378457.1(DMXL2):c.6494A>G (p.His2165Arg)

Gene: DMXL2 (Dmx like 2; minus strand). Cytogenetic location: 15q21.2.
Variant type: single nucleotide variant.
Coding change: c.6494A>G on transcript NM_001378457.1 (MANE Select); coding-DNA position 6494, A replaced by G.
Protein change: p.His2165Arg; replaces histidine 2165 with arginine.
Molecular consequence: missense variant. On other transcripts: non-coding transcript variant (2).
Genome position (GRCh38, 1-based): chr15:51,480,612, T>C on the plus strand (A>G on the coding strand, the complement: DMXL2 is on the minus strand). VCF-style: chr15-51480612-T-C. GRCh37 (hg19) VCF-style: chr15-51772809-T-C.
Other names: c.6494A>G, p.His2165Arg (NM_001174116.3, NM_001378458.1, NM_001378459.1 and 4 more transcripts); c.4586A>G, p.His1529Arg (NM_001174117.3); c.4475A>G, p.His1492Arg (NM_001378460.1); c.6254A>G, p.His2085Arg (NM_001378464.1); short protein forms H1492R, H1529R, H2085R, H2165R.
Identifiers: ClinVar variation 2092585 (VCV002092585.4), dbSNP rs1267052431, ClinGen allele CA392443470.
Genomic context (GRCh38, chr15:51,480,612, plus strand): 5'-TCTTGTAGCAAAAATTTGAGTTCCATCCTTACTGAAGCCAAACCACCACCTTGGGCCCCA[T>C]GAAGGCTACAGTAGCTGAGAAATACTCTCAGGAGATCTTGGTTTTTCTGCAACCACGACT-3'
Protein context (NP_001365386.1, residues 2155-2175): LRVFLSYCSL[His2165Arg]GAQGGGLASV